The following is an entry in ClinVar:

NM_001042750.2(STAG2):c.1341G>A (p.Met447Ile)

Gene: STAG2 (STAG2 cohesin complex component; plus strand). Cytogenetic location: Xq25.
Variant type: single nucleotide variant.
Coding change: c.1341G>A on transcript NM_001042750.2 (MANE Select); coding-DNA position 1341, G replaced by A.
Protein change: p.Met447Ile; replaces methionine 447 with isoleucine.
Molecular consequence: missense variant.
Genome position (GRCh38, 1-based): chrX:124,057,902, G>A. VCF-style: chrX-124057902-G-A. GRCh37 (hg19) VCF-style: chrX-123191752-G-A.
Other names: c.1341G>A, p.Met447Ile (NM_001042749.2, NM_001042751.2, NM_001282418.2 and 13 more transcripts); short protein forms M447I.
Identifiers: ClinVar variation 2085398 (VCV002085398.4), dbSNP rs2521640549, ClinGen allele CA414278518.
Genomic context (GRCh38, chrX:124,057,902, plus strand): 5'-ATAAATATTTTACTTTTTTCACAGGCTCTTCAGTCGTAGAGATCCAGAGGAGGATGGAAT[G>A]ATGAAAAGAAGAGGAAGACAAGGTCCAAATGCCAACCTTGTTAAGACATTGGTTTTTTTC-3'
Protein context (NP_001036215.1, residues 437-457): FSRRDPEEDG[Met447Ile]MKRRGRQGPN

ClinVar aggregate classification (germline): Uncertain significance (1 of 4 stars; one submission).

Submission:

Labcorp Genetics (formerly Invitae), Labcorp
Classification: Uncertain significance. Last evaluated: 2022-01-16. Review status: criteria provided, single submitter. Criteria: Invitae Variant Classification Sherloc (09022015). Collection method: clinical testing. Allele origin: germline.
Comment: This sequence change replaces methionine, which is neutral and non-polar, with isoleucine, which is neutral and non-polar, at codon 447 of the STAG2 protein (p.Met447Ile). In summary, the available evidence is currently insufficient to determine the role of this variant in disease. Therefore, it has been classified as a Variant of Uncertain Significance. Algorithms developed to predict the effect of missense changes on protein structure and function output the following: SIFT: "Tolerated"; PolyPhen-2: "Benign"; Align-GVGD: "Class C0". The isoleucine amino acid residue is found in multiple mammalian species, which suggests that this missense change does not adversely affect protein function. This variant has not been reported in the literature in individuals affected with STAG2-related conditions. This variant is not present in population databases (gnomAD no frequency).